The following is an entry in ClinVar:

ClinVar aggregate classification (germline): Uncertain significance (1 of 4 stars; one submission).

gnomAD v4.1: 6 of 1,613,924 alleles (0.00037%); highest among the groups gnomAD compares: Non-Finnish European, 0.00051%; no homozygotes.

Submission:

Labcorp Genetics (formerly Invitae), Labcorp
Classification: Uncertain significance. Last evaluated: 2022-04-12. Review status: criteria provided, single submitter. Criteria: Invitae Variant Classification Sherloc (09022015). Collection method: clinical testing. Allele origin: germline.
Comment: In summary, the available evidence is currently insufficient to determine the role of this variant in disease. Therefore, it has been classified as a Variant of Uncertain Significance. Algorithms developed to predict the effect of missense changes on protein structure and function (SIFT, PolyPhen-2, Align-GVGD) all suggest that this variant is likely to be tolerated. This variant has not been reported in the literature in individuals affected with FCHO1-related conditions. This variant is present in population databases (no rsID available, gnomAD 0.0009%). This sequence change replaces alanine, which is neutral and non-polar, with serine, which is neutral and polar, at codon 405 of the FCHO1 protein (p.Ala405Ser).

NM_015122.3(FCHO1):c.1213G>T (p.Ala405Ser)

Genes: FCHO1 (FCH and mu domain containing endocytic adaptor 1; plus strand), LOC130063960 (ATAC-STARR-seq lymphoblastoid active region 14285; plus strand). Cytogenetic location: 19p13.11.
Variant type: single nucleotide variant.
Coding change: c.1213G>T on transcript NM_015122.3 (MANE Select); coding-DNA position 1213, G replaced by T.
Protein change: p.Ala405Ser; replaces alanine 405 with serine.
Molecular consequence: missense variant. On other transcripts: non-coding transcript variant (36), intron variant (1).
Genome position (GRCh38, 1-based): chr19:17,776,640, G>T. VCF-style: chr19-17776640-G-T. GRCh37 (hg19) VCF-style: chr19-17887449-G-T.
Other names: c.1213G>T, p.Ala405Ser (NM_001384391.1, NM_001384392.1, NM_001384393.1 and 25 more transcripts); c.1063G>T, p.Ala355Ser (NM_001161359.2, NM_001384384.1, NM_001384385.1 and 2 more transcripts); c.1174G>T, p.Ala392Ser (NM_001384388.1, NM_001384389.1, NM_001384405.1); c.1138G>T, p.Ala380Ser (NM_001384390.1); c.1168G>T, p.Ala390Ser (NM_001384403.1); c.1057+369G>T (NM_001384407.1); short protein forms A392S, A405S, A355S, A390S, A380S.
Identifiers: ClinVar variation 2125230 (VCV002125230.4), dbSNP rs760979158, ClinGen allele CA404751759.
Genomic context (GRCh38, chr19:17,776,640, plus strand): 5'-GGGGAGCATTGCAGGCAGGGTGACAAGAAGGCTGAAGGAGGTGCATCTCTTGTAGGGGAC[G>T]CTGCTGGGAAACCCCAGAGACCTCGGTCTGCCCCCAGAACCAGCAGGTGGGTTCCACACG-3'
Protein context (NP_055937.1, residues 395-415): GTMKRHSSRD[Ala405Ser]AGKPQRPRSA